The following is an entry in ClinVar:

NM_000321.3(RB1):c.2720C>A (p.Thr907Asn)

Gene: RB1 (RB transcriptional corepressor 1; plus strand). Cytogenetic location: 13q14.2.
Variant type: single nucleotide variant.
Coding change: c.2720C>A on transcript NM_000321.3 (MANE Select); coding-DNA position 2720, C replaced by A.
Protein change: p.Thr907Asn; replaces threonine 907 with asparagine.
Molecular consequence: missense variant. On other transcripts: nonsense (1).
Genome position (GRCh38, 1-based): chr13:48,480,004, C>A. VCF-style: chr13-48480004-C-A. GRCh37 (hg19) VCF-style: chr13-49054140-C-A.
Other names: c.170C>A, p.Thr57Asn (NM_001407168.1); c.2739C>A, p.Tyr913Ter (NM_001407165.1); short protein forms T907N, T57N, Y913*.
Identifiers: ClinVar variation 2450497 (VCV002450497.2), dbSNP rs2138364355, ClinGen allele CA388158196.

ClinVar aggregate classification (germline): Uncertain significance (1 of 4 stars; one submission).

Conditions:
Hereditary cancer-predisposing syndrome. Also called: Neoplastic Syndromes, Hereditary; Tumor predisposition; Hereditary neoplastic syndrome; Hereditary Cancer Syndrome. Identifiers: Orphanet 140162, MedGen C0027672, MeSH D009386, MONDO:0015356.

Submission:

Ambry Genetics
Classification: Uncertain significance for Hereditary cancer-predisposing syndrome. Last evaluated: 2022-11-19. Review status: criteria provided, single submitter. Criteria: Ambry Variant Classification Scheme 2023. Collection method: clinical testing. Allele origin: germline.
Comment: The p.T907N variant (also known as c.2720C>A), located in coding exon 27 of the RB1 gene, results from a C to A substitution at nucleotide position 2720. The threonine at codon 907 is replaced by asparagine, an amino acid with similar properties. This amino acid position is conserved. In addition, the in silico prediction for this alteration is inconclusive. Since supporting evidence is limited at this time, the clinical significance of this alteration remains unclear.